The following is an entry in ClinVar:

NM_001365536.1(SCN9A):c.3472+6A>C

Genes: SCN1A-AS1 (SCN1A and SCN9A antisense RNA 1; plus strand), SCN9A (sodium voltage-gated channel alpha subunit 9; minus strand). Cytogenetic location: 2q24.3.
Variant type: single nucleotide variant.
Coding change: c.3472+6A>C on transcript NM_001365536.1 (MANE Select); 6 bases into the intron after coding-DNA position 3472, A replaced by C.
Molecular consequence: intron variant.
Genome position (GRCh38, 1-based): chr2:166,251,759, T>G on the plus strand (A>C on the coding strand, the complement: SCN9A is on the minus strand). VCF-style: chr2-166251759-T-G. GRCh37 (hg19) VCF-style: chr2-167108269-T-G.
Other names: c.3439+6A>C (NM_002977.4).
Identifiers: ClinVar variation 1522736 (VCV001522736.6), dbSNP rs2106426212, ClinGen allele CA2573133555.
Genomic context (GRCh38, chr2:166,251,759, plus strand): 5'-GGCGTTAAGACAAACCCCAGAACACTAATTAAGGAATGCTAACCAAGGTCTCAATTTTTG[T>G]CTTACCATCTGTGAAACAGGCCTCTGGCTCATCGGAATTCATAGGTTCAGCCTCTGCTTC-3'

ClinVar aggregate classification (germline): Uncertain significance (1 of 4 stars; one submission).

Conditions:
Neuropathy, hereditary sensory and autonomic, type 2A (HSAN2A). Also called: HSAN IIA; WNK1-Related HSAN2 (HSAN2A); MORVAN DISEASE; NEUROPATHY, CONGENITAL SENSORY; NEUROPATHY, HEREDITARY SENSORY RADICULAR, AUTOSOMAL RECESSIVE; NEUROPATHY, HEREDITARY SENSORY, TYPE IIA. Identifiers: Orphanet 970, MedGen C2752089, MONDO:0024309, OMIM 201300.
Generalized epilepsy with febrile seizures plus, type 7 (GEFSP7). Also called: GEFS+, TYPE 7. Identifiers: Orphanet 36387, MedGen C2751778, MONDO:0013470, OMIM 613863.

Submission:

Labcorp Genetics (formerly Invitae), Labcorp
Classification: Uncertain significance for Neuropathy, hereditary sensory and autonomic, type 2A; Generalized epilepsy with febrile seizures plus, type 7. Last evaluated: 2022-07-12. Review status: criteria provided, single submitter. Criteria: Invitae Variant Classification Sherloc (09022015). Collection method: clinical testing. Allele origin: germline.
Comment: This sequence change falls in intron 18 of the SCN9A gene. It does not directly change the encoded amino acid sequence of the SCN9A protein. It affects a nucleotide within the consensus splice site. This variant is not present in population databases (gnomAD no frequency). This variant has not been reported in the literature in individuals affected with SCN9A-related conditions. ClinVar contains an entry for this variant (Variation ID: 1522736). Variants that disrupt the consensus splice site are a relatively common cause of aberrant splicing (PMID: 17576681, 9536098). Algorithms developed to predict the effect of sequence changes on RNA splicing suggest that this variant is not likely to affect RNA splicing. In summary, the available evidence is currently insufficient to determine the role of this variant in disease. Therefore, it has been classified as a Variant of Uncertain Significance.

Literature cited by the submitters: PubMed 17576681; PubMed 9536098.